The following is an entry in ClinVar:

NM_000052.7(ATP7A):c.3278C>T (p.Thr1093Ile)

Gene: ATP7A (ATPase copper transporting alpha; plus strand). Cytogenetic location: Xq21.1.
Variant type: single nucleotide variant.
Coding change: c.3278C>T on transcript NM_000052.7 (MANE Select); coding-DNA position 3278, C replaced by T.
Protein change: p.Thr1093Ile; replaces threonine 1093 with isoleucine.
Molecular consequence: missense variant. On other transcripts: non-coding transcript variant (1).
Genome position (GRCh38, 1-based): chrX:78,031,566, C>T. VCF-style: chrX-78031566-C-T. GRCh37 (hg19) VCF-style: chrX-77287064-C-T.
Other names: c.3044C>T, p.Thr1015Ile (NM_001282224.2); short protein forms T1015I, T1093I.
Identifiers: ClinVar variation 1686487 (VCV001686487.6), dbSNP rs996808810, ClinGen allele CA331105340.

ClinVar aggregate classification (germline): Uncertain significance. Review status: criteria provided, multiple submitters, no conflicts (2 of 4 stars). 2 submissions from 2 submitters: Uncertain significance (2). Last evaluated 2024-12-07.

Conditions:
Menkes kinky-hair syndrome (MNK). Also called: Copper transport disease; Classic Menkes Disease; Menkes Disease. Identifiers: Orphanet 565, MedGen C0022716, MONDO:0010651, OMIM 309400.
Cutis laxa, X-linked (OHS). Also called: EDS IX; Occipital horn syndrome. Identifiers: Orphanet 198, MedGen C0268353, MONDO:0010572, OMIM 304150.
X-linked distal spinal muscular atrophy type 3. Also called: SPINAL MUSCULAR ATROPHY, DISTAL, X-LINKED RECESSIVE; ATP7A-Related Distal Motor Neuropathy; NEURONOPATHY, DISTAL HEREDITARY MOTOR, X-LINKED; NEUROPATHY, DISTAL HEREDITARY MOTOR, X-LINKED. Identifiers: Orphanet 139557, MedGen C1845359, MONDO:0010338, OMIM 300489.

Allele frequency attached by ClinVar (database versions not stated): TOPMed below 0.00001.

Submissions (2):

Labcorp Genetics (formerly Invitae), Labcorp
Classification: Uncertain significance for X-linked distal spinal muscular atrophy type 3; Cutis laxa, X-linked; Menkes kinky-hair syndrome. Last evaluated: 2024-12-07. Review status: criteria provided, single submitter. Criteria: Invitae Variant Classification Sherloc (09022015). Collection method: clinical testing. Allele origin: germline.
Comment: This sequence change replaces threonine, which is neutral and polar, with isoleucine, which is neutral and non-polar, at codon 1093 of the ATP7A protein (p.Thr1093Ile). This variant is not present in population databases (gnomAD no frequency). This variant has not been reported in the literature in individuals affected with ATP7A-related conditions. ClinVar contains an entry for this variant (Variation ID: 1686487). Invitae Evidence Modeling of protein sequence and biophysical properties (such as structural, functional, and spatial information, amino acid conservation, physicochemical variation, residue mobility, and thermodynamic stability) indicates that this missense variant is not expected to disrupt ATP7A protein function with a negative predictive value of 95%. In summary, the available evidence is currently insufficient to determine the role of this variant in disease. Therefore, it has been classified as a Variant of Uncertain Significance.

Mendelics
Classification: Uncertain significance. Last evaluated: 2022-05-04. Review status: criteria provided, single submitter. Criteria: Mendelics Assertion Criteria 2019. Collection method: clinical testing. Allele origin: germline.